The following is an entry in ClinVar:

ClinVar aggregate classification (germline): Uncertain significance (1 of 4 stars; one submission).

Conditions:
Familial intrahepatic cholestasis. Identifiers: Orphanet 284385, MedGen CN296401, MONDO:0017290.

Submission:

Genomenon, Inc
Classification: Uncertain significance for Familial intrahepatic cholestasis. Last evaluated: 2026-04-14. Review status: criteria provided, single submitter. Criteria: Genomenon Sequence Variant Interpretation Standards - Updated. Collection method: curation. Allele origin: germline. Affected: yes.
Comment: ABCB4 c.1356+5G>C is an intronic variant located in the donor splice region of intron 12. This variant has been observed in at least one proband with an ABCB4-related disorder (PMID:38343606). It is absent or not present at a significant frequency in gnomAD. In silico models predict that this variant is possibly or probably damaging. In conclusion, we classify ABCB4 c.1356+5G>C as a variant of uncertain significance.

Literature cited by the submitters: PubMed 38343606.

NM_000443.4(ABCB4):c.1356+5G>C

Gene: ABCB4 (ATP binding cassette subfamily B member 4; minus strand). Cytogenetic location: 7q21.12.
Variant type: single nucleotide variant.
Coding change: c.1356+5G>C on transcript NM_000443.4 (MANE Select); 5 bases into the intron after coding-DNA position 1356, G replaced by C.
Molecular consequence: intron variant.
Genome position (GRCh38, 1-based): chr7:87,443,314, C>G on the plus strand (G>C on the coding strand, the complement: ABCB4 is on the minus strand). VCF-style: chr7-87443314-C-G. GRCh37 (hg19) VCF-style: chr7-87072630-C-G.
Other names: c.1356+5G>C (NM_018850.3, NM_018849.3).
Identifiers: ClinVar variation 4846338 (VCV004846338.1).